The following is an entry in ClinVar:

NM_021912.5(GABRB3):c.75C>T (p.Pro25=)

Gene: GABRB3 (gamma-aminobutyric acid type A receptor subunit beta3; minus strand). Cytogenetic location: 15q12.
Variant type: single nucleotide variant.
Coding change: c.75C>T on transcript NM_021912.5; coding-DNA position 75, C replaced by T.
Protein change: p.Pro25=; no amino-acid change (proline 25 retained).
Molecular consequence: synonymous variant.
Genome position (GRCh38, 1-based): chr15:26,773,650, G>A on the plus strand (C>T on the coding strand, the complement: GABRB3 is on the minus strand). VCF-style: chr15-26773650-G-A. GRCh37 (hg19) VCF-style: chr15-27018797-G-A.
Identifiers: ClinVar variation 377904 (VCV000377904.13), dbSNP rs20318, ClinGen allele CA7437612.

ClinVar aggregate classification (germline): Benign. Review status: criteria provided, multiple submitters, no conflicts (2 of 4 stars). 6 submissions from 6 submitters: Benign (6). Last evaluated 2026-01-19.

Conditions:
Epilepsy, childhood absence, susceptibility to, 1. Also called: Epilepsy, childhood absence 1. Identifiers: Orphanet 64280, MedGen C1838604, MONDO:0020759, OMIM 600131.
Epilepsy, childhood absence, susceptibility to, 5. Identifiers: Orphanet 64280, MedGen C2677087, MONDO:0012843, OMIM 612269.
Inborn genetic diseases. Identifiers: MedGen C0950123, MeSH D030342.

Allele frequency attached by ClinVar (database versions not stated): gnomAD 0.14900 and 0.15609; TOPMed 0.15964; 1000 Genomes Project 30x 0.19425; ESP Exome Variant Server 0.11513; ExAC 0.29825; gnomAD exomes 0.17770 and 0.21990; 1000 Genomes Project 0.19808.
gnomAD v4.1: 274,088 of 1,562,694 alleles (18%); highest among the groups gnomAD compares: Admixed American, 37%; 27,178 homozygotes.

Submissions (6):

Labcorp Genetics (formerly Invitae), Labcorp
Classification: Benign for Epilepsy, childhood absence, susceptibility to, 5; Epilepsy, childhood absence, susceptibility to, 1. Last evaluated: 2026-01-19. Review status: criteria provided, single submitter. Criteria: Invitae Variant Classification Sherloc (09022015). Collection method: clinical testing. Allele origin: germline.

Unidad de Genómica Garrahan, Hospital de Pediatría Garrahan
Classification: Benign. Last evaluated: 2024-07-15. Review status: criteria provided, single submitter. Criteria: ACMG Guidelines, 2015. Collection method: clinical testing. Allele origin: germline. Affected: no. Observed: 52 variant alleles.
Comment: This variant is classified as Benign based on local population frequency. This variant was detected in 56% of patients studied in a panel designed for Epileptic and Developmental Encephalopathy and Progressive Myoclonus Epilepsy. Number of patients: 52. Only high quality variants are reported.

Athena Diagnostics
Classification: Benign. Last evaluated: 2018-05-07. Review status: criteria provided, single submitter. Criteria: Athena Diagnostics Criteria. Collection method: clinical testing. Allele origin: germline.

Ambry Genetics
Classification: Benign for Inborn genetic diseases. Last evaluated: 2016-01-11. Review status: criteria provided, single submitter. Criteria: Ambry Variant Classification Scheme 2023. Collection method: clinical testing. Allele origin: germline.

GeneDx
Classification: Benign. Last evaluated: 2016-01-08. Review status: criteria provided, single submitter. Criteria: GeneDx Variant Classification (06012015). Collection method: clinical testing. Allele origin: germline. Affected: yes.
Comment: This variant is considered likely benign or benign based on one or more of the following criteria: it is a conservative change, it occurs at a poorly conserved position in the protein, it is predicted to be benign by multiple in silico algorithms, and/or has population frequency not consistent with disease.

Breakthrough Genomics
Classification: Benign. Review status: criteria provided, single submitter. Criteria: ACMG Guidelines, 2015. Collection method: not provided. Allele origin: germline. Inheritance: Autosomal dominant inheritance. Affected: yes.